The following is an entry in ClinVar:

ClinVar aggregate classification (germline): Likely benign (1 of 4 stars; one submission).

Allele frequency attached by ClinVar (database versions not stated): TOPMed below 0.00001; gnomAD 0.00001; ExAC 0.00002; gnomAD exomes 0.00002.
gnomAD v4.1: 37 of 1,612,530 alleles (0.0023%); highest among the groups gnomAD compares: South Asian, 0.0088%; no homozygotes.

Submission:

CeGaT Center for Human Genetics Tuebingen
Classification: Likely benign. Last evaluated: 2023-02-01. Review status: criteria provided, single submitter. Criteria: CeGaT Center For Human Genetics Tuebingen Variant Classification Criteria Version 2. Collection method: clinical testing. Allele origin: germline. Affected: yes. Observed: 1 variant allele.
Comment: CYFIP1: BP4, BP7

NM_014608.6(CYFIP1):c.975C>T (p.Tyr325=)

Gene: CYFIP1 (cytoplasmic FMR1 interacting protein 1; minus strand). Cytogenetic location: 15q11.2.
Variant type: single nucleotide variant.
Coding change: c.975C>T on transcript NM_014608.6 (MANE Select); coding-DNA position 975, C replaced by T.
Protein change: p.Tyr325=; no amino-acid change (tyrosine 325 retained).
Molecular consequence: synonymous variant. On other transcripts: 5 prime UTR variant (1).
Genome position (GRCh38, 1-based): chr15:22,933,819, G>A on the plus strand (C>T on the coding strand, the complement: CYFIP1 is on the minus strand). VCF-style: chr15-22933819-G-A. GRCh37 (hg19) VCF-style: chr15-22939249-C-T.
Other names: c.975C>T, p.Tyr325= (NM_001287810.4, NM_001324120.2, NM_001324123.3); c.1077C>T, p.Tyr359= (NM_001324119.2); c.-854C>T (NM_001324122.3); c.885C>T, p.Tyr295= (NM_001324124.3); c.609C>T, p.Tyr203= (NM_001324125.3); c.873C>T, p.Tyr291= (NM_001324126.3).
Identifiers: ClinVar variation 2644945 (VCV002644945.24), dbSNP rs781319942, ClinGen allele CA7424437.
Genomic context (GRCh38, chr15:22,933,819, plus strand): 5'-CACTGCCGAAAGCTCAAACCAGGCAGCTTTCCTCTCCTCCTACCGAGATTTATTTTCCTC[G>A]TAGTGGGCGCTGGTCTTGATATATCTTGCCAGTTCTATTTGCATGTCCCCAAATAGCGGA-3'
Protein context (NP_055423.1, residues 315-335): LARYIKTSAH[Tyr325=]EENKSRWTCT